The following is an entry in ClinVar:

NM_018063.5(HELLS):c.1519C>T (p.Arg507Ter)

Gene: HELLS (helicase, lymphoid specific; plus strand). Cytogenetic location: 10q23.33.
Variant type: single nucleotide variant.
Coding change: c.1519C>T on transcript NM_018063.5 (MANE Select); coding-DNA position 1519, C replaced by T.
Protein change: p.Arg507Ter; replaces arginine 507 with a stop codon.
Molecular consequence: nonsense.
Genome position (GRCh38, 1-based): chr10:94,590,443, C>T. VCF-style: chr10-94590443-C-T. GRCh37 (hg19) VCF-style: chr10-96350200-C-T.
Other names: c.1657C>T, p.Arg553Ter (NM_001289067.2); c.1471C>T, p.Arg491Ter (NM_001289068.2); c.1423C>T, p.Arg475Ter (NM_001289069.2); c.1225C>T, p.Arg409Ter (NM_001289070.2); c.1147C>T, p.Arg383Ter (NM_001289071.2); c.1129C>T, p.Arg377Ter (NM_001289072.2); c.1105C>T, p.Arg369Ter (NM_001289073.2); c.436C>T, p.Arg146Ter (NM_001289074.2); and 1 more; short protein forms R383*, R553*, R101*, R146*, R475*, R369*, R377*, R409*.
Identifiers: ClinVar variation 1912517 (VCV001912517.5), dbSNP rs1314843352, ClinGen allele CA377665530.
Genomic context (GRCh38, chr10:94,590,443, plus strand): 5'-CTGAATTTCTTTTAATTCGTTCCCTTTTAGAAAGAAACAATTGAGTTAAGTCCTACTGGT[C>T]GACCAAAACGACGAACTAGAAAATCAATAAATTACAGCAAAATAGATGATTTCCCTAATG-3'

ClinVar aggregate classification (germline): Pathogenic (1 of 4 stars; one submission).

Allele frequency attached by ClinVar (database versions not stated): gnomAD exomes below 0.00001.
gnomAD v4.1: 2 of 1,609,178 alleles (0.00012%); highest among the groups gnomAD compares: Non-Finnish European, 0.000085%; no homozygotes.

Submission:

Labcorp Genetics (formerly Invitae), Labcorp
Classification: Pathogenic. Last evaluated: 2023-02-03. Review status: criteria provided, single submitter. Criteria: Invitae Variant Classification Sherloc (09022015). Collection method: clinical testing. Allele origin: germline.
Comment: For these reasons, this variant has been classified as Pathogenic. This variant has not been reported in the literature in individuals affected with HELLS-related conditions. This variant is present in population databases (no rsID available, gnomAD 0.01%). This sequence change creates a premature translational stop signal (p.Arg507*) in the HELLS gene. It is expected to result in an absent or disrupted protein product. Loss-of-function variants in HELLS are known to be pathogenic (PMID: 26216346).

Literature cited by the submitters: PubMed 26216346.